The following is an entry in ClinVar:

ClinVar aggregate classification (germline): Uncertain significance (1 of 4 stars; one submission).

gnomAD v4.1: 3 of 1,612,606 alleles (0.00019%); highest among the groups gnomAD compares: African/African-American, 0.004%; no homozygotes.

Submission:

Ambry Genetics
Classification: Uncertain significance. Last evaluated: 2024-12-04. Review status: criteria provided, single submitter. Criteria: Ambry Variant Classification Scheme 2023. Collection method: clinical testing. Allele origin: germline.
Comment: The p.G459R variant (also known as c.1375G>C), located in coding exon 8 of the ATRIP gene, results from a G to C substitution at nucleotide position 1375. The glycine at codon 459 is replaced by arginine, an amino acid with dissimilar properties. This amino acid position is conserved. In addition, this alteration is predicted to be tolerated by in silico analysis. Based on the available evidence, the clinical significance of this variant remains unclear.

NM_130384.3(ATRIP):c.1375G>C (p.Gly459Arg)

Genes: ATRIP (ATR interacting protein; plus strand), ATRIP-TREX1 (ATRIP-TREX1 readthrough; plus strand). Cytogenetic location: 3p21.31.
Variant type: single nucleotide variant.
Coding change: c.1375G>C on transcript NM_130384.3 (MANE Select); coding-DNA position 1375, G replaced by C.
Protein change: p.Gly459Arg; replaces glycine 459 with arginine.
Molecular consequence: missense variant. On other transcripts: non-coding transcript variant (1).
Genome position (GRCh38, 1-based): chr3:48,460,429, G>C. VCF-style: chr3-48460429-G-C. GRCh37 (hg19) VCF-style: chr3-48501828-G-C.
Other names: c.994G>C, p.Gly332Arg (NM_001271022.2); c.1096G>C, p.Gly366Arg (NM_001271023.2); c.1375G>C, p.Gly459Arg (NM_032166.4); short protein forms G459R, G332R, G366R.
Identifiers: ClinVar variation 3464927 (VCV003464927.1).